The following is an entry in ClinVar:

NM_052963.3(TOP1MT):c.259G>A (p.Val87Met)

Gene: TOP1MT (DNA topoisomerase I mitochondrial; minus strand). Cytogenetic location: 8q24.3.
Variant type: single nucleotide variant.
Coding change: c.259G>A on transcript NM_052963.3 (MANE Select); coding-DNA position 259, G replaced by A.
Protein change: p.Val87Met; replaces valine 87 with methionine.
Molecular consequence: missense variant. On other transcripts: 5 prime UTR variant (2).
Genome position (GRCh38, 1-based): chr8:143,329,451, C>T on the plus strand (G>A on the coding strand, the complement: TOP1MT is on the minus strand). VCF-style: chr8-143329451-C-T. GRCh37 (hg19) VCF-style: chr8-144411621-C-T.
Other names: c.-36G>A (NM_001258446.1, NM_001258447.1); short protein forms V87M.
Identifiers: ClinVar variation 2463673 (VCV002463673.6), dbSNP rs776797089, ClinGen allele CA4908916.

ClinVar aggregate classification (germline): Uncertain significance. Review status: criteria provided, multiple submitters, no conflicts (2 of 4 stars). 2 submissions from 2 submitters: Uncertain significance (2). Last evaluated 2025-11-26.

Allele frequency attached by ClinVar (database versions not stated): gnomAD exomes 0.00002; ExAC 0.00005.
gnomAD v4.1: 46 of 1,610,534 alleles (0.0029%); highest among the groups gnomAD compares: Admixed American, 0.034%; no homozygotes.

Submissions (2):

Ambry Genetics
Classification: Uncertain significance. Last evaluated: 2025-11-26. Review status: criteria provided, single submitter. Criteria: Ambry Variant Classification Scheme 2023. Collection method: clinical testing. Allele origin: germline.

Labcorp Genetics (formerly Invitae), Labcorp
Classification: Uncertain significance. Last evaluated: 2025-10-02. Review status: criteria provided, single submitter. Criteria: Invitae Variant Classification Sherloc (09022015). Collection method: clinical testing. Allele origin: germline.
Comment: This sequence change replaces valine, which is neutral and non-polar, with methionine, which is neutral and non-polar, at codon 87 of the TOP1MT protein (p.Val87Met). This variant is present in population databases (rs776797089, gnomAD 0.04%). This variant has not been reported in the literature in individuals affected with TOP1MT-related conditions. ClinVar contains an entry for this variant (Variation ID: 2463673). Invitae Evidence Modeling of protein sequence and biophysical properties (such as structural, functional, and spatial information, amino acid conservation, physicochemical variation, residue mobility, and thermodynamic stability) indicates that this missense variant is not expected to disrupt TOP1MT protein function with a negative predictive value of 80%. In summary, the available evidence is currently insufficient to determine the role of this variant in disease. Therefore, it has been classified as a Variant of Uncertain Significance.